The following is an entry in ClinVar:

ClinVar aggregate classification (germline): Pathogenic. Review status: criteria provided, multiple submitters, no conflicts (2 of 4 stars). 5 submissions from 4 submitters: Pathogenic (4). 1 of the submissions does not count toward it. Last evaluated 2025-09-08.

Conditions:
Primary ciliary dyskinesia. Also called: Ciliary dyskinesia. Identifiers: Orphanet 244, MedGen C0008780, MONDO:0016575, HP:0012265.
Retinitis pigmentosa 3. Also called: CHOROIDORETINAL DEGENERATION WITH RETINAL REFLEX IN HETEROZYGOUS WOMEN. Identifiers: Orphanet 791, MedGen C1845667, MONDO:0010227, OMIM 300029.
Retinal dystrophy. Also called: Inherited retinal dystrophy. Identifiers: Orphanet 71862, MedGen C0854723, MeSH D058499, MONDO:0019118, HP:0000556.

Submissions (5):

Institute of Medical Genetics and Applied Genomics, University Hospital Tübingen
Classification: Pathogenic for Retinitis pigmentosa 3. Last evaluated: 2025-09-08. Review status: criteria provided, single submitter. Criteria: ACMG Guidelines, 2015. Collection method: clinical testing. Allele origin: germline. Inheritance: X-linked recessive inheritance. Affected: yes.

Labcorp Genetics (formerly Invitae), Labcorp
Classification: Pathogenic for Primary ciliary dyskinesia. Last evaluated: 2023-07-17. Review status: criteria provided, single submitter. Criteria: Invitae Variant Classification Sherloc (09022015). Collection method: clinical testing. Allele origin: germline.
Comment: This sequence change creates a premature translational stop signal (p.Glu850Lysfs*239) in the RPGR (ORF15) gene. While this is not anticipated to result in nonsense mediated decay, it is expected to disrupt the last 303 amino acid(s) of the RPGR (ORF15) protein. For these reasons, this variant has been classified as Pathogenic. This variant disrupts a region of the RPGR (ORF15) protein in which other variant(s) (p.Leu1130Lysfs*13) have been determined to be pathogenic (PMID: 22264887; Invitae). This suggests that this is a clinically significant region of the protein, and that variants that disrupt it are likely to be disease-causing. ClinVar contains an entry for this variant (Variation ID: 865913). This premature translational stop signal has been observed in individual(s) with retinitis pigmentosa (PMID: 17724181, 34985506). This variant is not present in population databases (gnomAD no frequency).

Blueprint Genetics
Classification: Pathogenic for Retinal dystrophy. Last evaluated: 2019-03-31. Review status: criteria provided, single submitter. Criteria: Blueprint Genetics Variant Classification Scheme. Collection method: clinical testing. Allele origin: germline. Affected: yes.

PreventionGenetics, part of Exact Sciences
Classification: Pathogenic. Last evaluated: 2017-12-08. Review status: criteria provided, single submitter. Criteria: ACMG Guidelines, 2015. Collection method: clinical testing. Allele origin: germline.

Blueprint Genetics
Classification: Pathogenic for Retinitis pigmentosa 3. Review status: no assertion criteria provided. Collection method: clinical testing. Allele origin: germline. Affected: yes. Not counted in ClinVar's aggregate classification.

Literature cited by the submitters: PubMed 22264887 (cited by Labcorp Genetics (formerly Invitae), Labcorp); PubMed 17724181 (cited by Labcorp Genetics (formerly Invitae), Labcorp); PubMed 34985506 (cited by Labcorp Genetics (formerly Invitae), Labcorp).

NM_001034853.2(RPGR):c.2548del (p.Glu850fs)

Gene: RPGR (retinitis pigmentosa GTPase regulator; minus strand). Cytogenetic location: Xp11.4.
Variant type: Deletion.
Coding change: c.2548del on transcript NM_001034853.2 (MANE Select); coding-DNA position 2548, one base deleted (G; older notation c.2548delG).
Protein change: p.Glu850fs; shifts the reading frame from glutamic acid 850.
Molecular consequence: frameshift variant. On other transcripts: intron variant (8).
Genome position (GRCh38, 1-based): chrX:38,286,451, C deleted on the plus strand (G on the coding strand, the reverse complement: RPGR is on the minus strand); the first of 5 consecutive C bases (chrX:38,286,451-38,286,455); deleting any one gives the same sequence. VCF-style (leftmost placement, unchanged base first): chrX-38286450-TC-T. GRCh37 (hg19) VCF-style: chrX-38145703-TC-T.
Other names: c.1569+4508del (NM_001367249.1, NM_001367250.1); c.1902+643del (NM_001367245.1); c.1386+4508del (NM_001367251.1); c.1719+643del (NM_001367246.1); c.1572+4508del (NM_001367247.1); c.1905+643del (NM_000328.3); c.1602+4508del (NM_001367248.1); short protein forms E850fs.
Identifiers: ClinVar variation 865913 (VCV000865913.8), dbSNP rs2067174697, ClinGen allele CA916083895.